The following is an entry in ClinVar:

NM_002615.7(SERPINF1):c.483A>T (p.Ser161=)

Gene: SERPINF1 (serpin family F member 1; plus strand). Cytogenetic location: 17p13.3.
Variant type: single nucleotide variant.
Coding change: c.483A>T on transcript NM_002615.7 (MANE Select); coding-DNA position 483, A replaced by T.
Protein change: p.Ser161=; no amino-acid change (serine 161 retained).
Molecular consequence: synonymous variant. On other transcripts: 5 prime UTR variant (2).
Genome position (GRCh38, 1-based): chr17:1,771,915, A>T. VCF-style: chr17-1771915-A-T. GRCh37 (hg19) VCF-style: chr17-1675209-A-T.
Other names: c.483A>T, p.Ser161= (NM_001329903.2); c.-79A>T (NM_001329904.2, NM_001329905.2).
Identifiers: ClinVar variation 3030455 (VCV003030455.2), dbSNP rs1391729160, ClinGen allele CA497287295.

ClinVar aggregate classification (germline): Likely benign (0 of 4 stars; one submission).

Conditions:
SERPINF1-related disorder. Also called: SERPINF1-related condition.

gnomAD v4.1: 1 of 1,613,994 alleles (0.000062%); highest among the groups gnomAD compares: South Asian, 0.0011%; no homozygotes.

Submission:

PreventionGenetics, part of Exact Sciences
Classification: Likely benign for SERPINF1-related condition. Last evaluated: 2020-12-23. Review status: no assertion criteria provided. Collection method: clinical testing. Allele origin: germline.
Comment: This variant is classified as likely benign based on ACMG/AMP sequence variant interpretation guidelines (Richards et al. 2015 PMID: 25741868, with internal and published modifications).